The following is an entry in ClinVar:

NM_001122633.3(CPS1):c.-74_-54dup

Gene: CPS1 (carbamoyl-phosphate synthase 1; plus strand). Cytogenetic location: 2q34.
Variant type: Duplication.
Coding change: c.-74_-54dup on transcript NM_001122633.3; 74 bases upstream of the start codon through 54 bases upstream of the start codon, 21 bases duplicated (GGAAATGTAGTTGCTTTCTTA).
Molecular consequence: 5 prime UTR variant.
Genome position (GRCh38, 1-based): chr2:210,477,708-210,477,728, GGAAATGTAGTTGCTTTCTTA duplicated; duplicating any 21 consecutive bases within chr2:210,477,694-210,477,728 gives the same sequence; the c. name uses the placement nearest the transcript's 3' end. VCF-style (leftmost placement, unchanged base first): chr2-210477693-A-ATAGTTGCTTTCTTAGGAAATG. GRCh37 (hg19) VCF-style: chr2-211342417-A-ATAGTTGCTTTCTTAGGAAATG.
Other names: c.-194_-174dup (NM_001369257.1).
Identifiers: ClinVar variation 506407 (VCV000506407.3), dbSNP rs1375135144, ClinGen allele CA539121281.

ClinVar aggregate classification (germline): Likely benign (1 of 4 stars; one submission).

Submission:

GeneDx
Classification: Likely benign. Last evaluated: 2016-06-28. Review status: criteria provided, single submitter. Criteria: GeneDx Variant Classification (06012015). Collection method: clinical testing. Allele origin: germline. Affected: yes.
Comment: This variant is considered likely benign or benign based on one or more of the following criteria: it is a conservative change, it occurs at a poorly conserved position in the protein, it is predicted to be benign by multiple in silico algorithms, and/or has population frequency not consistent with disease.